The following is an entry in ClinVar:

NM_001267550.2(TTN):c.62137G>A (p.Asp20713Asn)

Genes: TTN (titin; minus strand), TTN-AS1 (TTN antisense RNA 1; plus strand). Cytogenetic location: 2q31.2.
Variant type: single nucleotide variant.
Coding change: c.62137G>A on transcript NM_001267550.2 (MANE Select); coding-DNA position 62137, G replaced by A.
Protein change: p.Asp20713Asn; replaces aspartic acid 20713 with asparagine.
Molecular consequence: missense variant.
Genome position (GRCh38, 1-based): chr2:178,589,588, C>T on the plus strand (G>A on the coding strand, the complement: TTN is on the minus strand). VCF-style: chr2-178589588-C-T. GRCh37 (hg19) VCF-style: chr2-179454315-C-T.
Other names: c.57214G>A, p.Asp19072Asn (NM_001256850.1); c.34942G>A, p.Asp11648Asn (NM_003319.4); c.54433G>A, p.Asp18145Asn (NM_133378.4); c.35317G>A, p.Asp11773Asn (NM_133432.3); c.35518G>A, p.Asp11840Asn (NM_133437.4); short protein forms D19072N, D20713N, D11648N, D18145N, D11773N, D11840N.
Identifiers: ClinVar variation 509736 (VCV000509736.6), dbSNP rs1177521349, ClinGen allele CA349465815.

ClinVar aggregate classification (germline): Uncertain significance. Review status: criteria provided, multiple submitters, no conflicts (2 of 4 stars). 3 submissions from 3 submitters: Uncertain significance (3). Last evaluated 2025-11-18.

Conditions:
TTN-related disorder. Also called: TTN-related condition; TTN-related disease; TTN-related disorders.
Myopathy, myofibrillar, 9, with early respiratory failure (MFM9). Also called: Hereditary myopathy with early respiratory failure; EDSTROM MYOPATHY; MYOPATHY, PROXIMAL, WITH EARLY RESPIRATORY MUSCLE INVOLVEMENT; Myopathy, distal, with early respiratory failure, autosomal dominant. Identifiers: Orphanet 178464, Orphanet 34521, MedGen C1863599, MONDO:0011362, OMIM 603689.
Autosomal recessive limb-girdle muscular dystrophy type 2J (LGMDR10). Also called: Limb-girdle muscular dystrophy, type 2J; MUSCULAR DYSTROPHY, LIMB-GIRDLE, AUTOSOMAL RECESSIVE 10. Identifiers: Orphanet 140922, MedGen C1837342, MONDO:0012127, OMIM 608807.
Dilated cardiomyopathy 1G (CMD1G). Identifiers: Orphanet 154, MedGen C1858763, MONDO:0011400, OMIM 604145.
Early-onset myopathy with fatal cardiomyopathy (CMYO5). Also called: Salih Myopathy; CONGENITAL MYOPATHY 5 WITH CARDIOMYOPATHY. Identifiers: Orphanet 289377, MedGen C2673677, MONDO:0012714, OMIM 611705. Disease mechanism: loss of function.
Tibial muscular dystrophy (TMD). Also called: Udd Distal Myopathy – Tibial Muscular Dystrophy; UDD MYOPATHY; Tibial muscular dystrophy, tardive. Identifiers: Orphanet 609, MedGen C1838244, MONDO:0010870, OMIM 600334.
Hypertrophic cardiomyopathy 9. Also called: Familial hypertrophic cardiomyopathy 9. Identifiers: MedGen C1861065, MONDO:0013412, OMIM 613765.

Allele frequency attached by ClinVar (database versions not stated): gnomAD exomes 0.00001; TOPMed 0.00001; gnomAD 0.00003 and 0.00004.
gnomAD v4.1: 23 of 1,613,242 alleles (0.0014%); highest among the groups gnomAD compares: Admixed American, 0.005%; no homozygotes.

Submissions (3):

PreventionGenetics, part of Exact Sciences
Classification: Uncertain significance for TTN-related condition. Last evaluated: 2025-11-18. Review status: criteria provided, single submitter. Criteria: ACMG Guidelines, 2015. Collection method: clinical testing. Allele origin: germline.
Comment: The TTN c.62137G>A variant is predicted to result in the amino acid substitution p.Asp20713Asn. To our knowledge, this variant has not been reported in the literature in individuals with TTN-related disorders. This variant is reported in 0.0029% of alleles in individuals of Latino descent in gnomAD. At this time, the clinical significance of this variant is uncertain due to the absence of conclusive functional and genetic evidence.

GeneDx
Classification: Uncertain significance. Last evaluated: 2021-10-04. Review status: criteria provided, single submitter. Criteria: GeneDx Variant Classification Process June 2021. Collection method: clinical testing. Allele origin: germline. Affected: yes.
Comment: Has not been previously published as pathogenic or benign to our knowledge; Not observed at significant frequency in large population cohorts (Lek et al., 2016); Missense variant in a gene in which most reported pathogenic variants are truncating/loss-of-function

Fulgent Genetics
Classification: Uncertain significance for Tibial muscular dystrophy; Myopathy, myofibrillar, 9, with early respiratory failure; Dilated cardiomyopathy 1G; Autosomal recessive limb-girdle muscular dystrophy type 2J; Early-onset myopathy with fatal cardiomyopathy; Hypertrophic cardiomyopathy 9. Last evaluated: 2021-09-24. Review status: criteria provided, single submitter. Criteria: ACMG Guidelines, 2015. Collection method: clinical testing. Allele origin: unknown.